The following is an entry in ClinVar:

NM_000481.4(AMT):c.805G>A (p.Gly269Ser)

Gene: AMT (aminomethyltransferase; minus strand). Cytogenetic location: 3p21.31.
Variant type: single nucleotide variant.
Coding change: c.805G>A on transcript NM_000481.4 (MANE Select); coding-DNA position 805, G replaced by A.
Protein change: p.Gly269Ser; replaces glycine 269 with serine.
Molecular consequence: missense variant. On other transcripts: non-coding transcript variant (1).
Genome position (GRCh38, 1-based): chr3:49,419,043, C>T on the plus strand (G>A on the coding strand, the complement: AMT is on the minus strand). VCF-style: chr3-49419043-C-T. GRCh37 (hg19) VCF-style: chr3-49456476-C-T.
Other names: c.673G>A, p.Gly225Ser (NM_001164710.2); c.637G>A, p.Gly213Ser (NM_001164711.2); c.805G>A, p.Gly269Ser (NM_001164712.2); short protein forms G269S, G213S, G225S.
Identifiers: ClinVar variation 943006 (VCV000943006.7), dbSNP rs2049051018, ClinGen allele CA352789808.
Genomic context (GRCh38, chr3:49,419,043, plus strand): 5'-TGAGGCTGCCCTCCACAGGTGTAGTGTGTTCATCAATGTCATTCCCATACAGGCAGAGGC[C>T]TGCCTCCAGGCGCAGGCTGTCCCTGGCTGCCAGCCCTGCCAGCTTCACCTCTGGGTTTTT-3'
Protein context (NP_000472.2, residues 259-279): AARDSLRLEA[Gly269Ser]LCLYGNDIDE

ClinVar aggregate classification (germline): Uncertain significance (1 of 4 stars; one submission).

Conditions:
Glycine encephalopathy. Also called: Nonketotic hyperglycinemia; Non-ketotic hyperglycinemia. Identifiers: Orphanet 407, MedGen C0751748, MONDO:0011612, HP:0008288.

Allele frequency attached by ClinVar (database versions not stated): TOPMed below 0.00001.

Submission:

Labcorp Genetics (formerly Invitae), Labcorp
Classification: Uncertain significance for Glycine encephalopathy. Last evaluated: 2019-06-21. Review status: criteria provided, single submitter. Criteria: Invitae Variant Classification Sherloc (09022015). Collection method: clinical testing. Allele origin: germline.
Comment: In summary, the available evidence is currently insufficient to determine the role of this variant in disease. Therefore, it has been classified as a Variant of Uncertain Significance. This sequence change replaces glycine with serine at codon 269 of the AMT protein (p.Gly269Ser). The glycine residue is highly conserved and there is a small physicochemical difference between glycine and serine. This variant is not present in population databases (ExAC no frequency). This variant has not been reported in the literature in individuals with AMT-related conditions. Algorithms developed to predict the effect of missense changes on protein structure and function (SIFT, PolyPhen-2, Align-GVGD) all suggest that this variant is likely to be disruptive, but these predictions have not been confirmed by published functional studies and their clinical significance is uncertain.